The following is an entry in ClinVar:

NM_016222.4(DDX41):c.572-3T>C

Gene: DDX41 (DEAD-box helicase 41; minus strand). Cytogenetic location: 5q35.3.
Variant type: single nucleotide variant.
Coding change: c.572-3T>C on transcript NM_016222.4 (MANE Select); 3 bases into the intron before coding-DNA position 572, T replaced by C.
Molecular consequence: intron variant.
Genome position (GRCh38, 1-based): chr5:177,515,261, A>G on the plus strand (T>C on the coding strand, the complement: DDX41 is on the minus strand). VCF-style: chr5-177515261-A-G. GRCh37 (hg19) VCF-style: chr5-176942262-A-G.
Other names: c.194-3T>C (NM_001321830.2, NM_001321732.2); c.572-3T>C (NM_016222.2).
Identifiers: ClinVar variation 2418324 (VCV002418324.9), dbSNP rs760334582, ClinGen allele CA3585100.

ClinVar aggregate classification (germline): Conflicting classifications of pathogenicity. Review status: criteria provided, conflicting classifications (1 of 4 stars). 3 submissions from 3 submitters: Uncertain significance (2); Likely benign (1). Last evaluated 2026-09-04.

Conditions:
DDX41-related hematologic malignancy predisposition syndrome. Also called: DDX41-Associated Familial Myelodysplastic Syndrome and Acute Myeloid Leukemia; Myeloproliferative/lymphoproliferative neoplasms, familial (multiple types), susceptibility to. Identifiers: Orphanet 488647, MedGen C4225174, MONDO:0014809, OMIM 616871.
Inborn genetic diseases. Identifiers: MedGen C0950123, MeSH D030342.

Allele frequency attached by ClinVar (database versions not stated): gnomAD 0.00004; TOPMed 0.00004; ExAC 0.00004.
gnomAD v4.1: 89 of 1,613,908 alleles (0.0055%); highest among the groups gnomAD compares: Non-Finnish European, 0.0074%; no homozygotes.

Submissions (3):

Ambry Genetics
Classification: Likely benign for Inborn genetic diseases. Last evaluated: 2026-09-04. Review status: criteria provided, single submitter. Criteria: Ambry Variant Classification Scheme 2023. Collection method: clinical testing. Allele origin: germline.

Labcorp Genetics (formerly Invitae), Labcorp
Classification: Uncertain significance. Last evaluated: 2025-01-31. Review status: criteria provided, single submitter. Criteria: Invitae Variant Classification Sherloc (09022015). Collection method: clinical testing. Allele origin: germline.
Comment: This sequence change falls in intron 6 of the DDX41 gene. It does not directly change the encoded amino acid sequence of the DDX41 protein. It affects a nucleotide within the consensus splice site. This variant is present in population databases (rs760334582, gnomAD 0.01%). This variant has not been reported in the literature in individuals affected with DDX41-related conditions. ClinVar contains an entry for this variant (Variation ID: 2418324). Variants that disrupt the consensus splice site are a relatively common cause of aberrant splicing (PMID: 17576681, 9536098). Algorithms developed to predict the effect of sequence changes on RNA splicing suggest that this variant is not likely to affect RNA splicing. In summary, the available evidence is currently insufficient to determine the role of this variant in disease. Therefore, it has been classified as a Variant of Uncertain Significance.

St. Jude Molecular Pathology, St. Jude Children's Research Hospital
Classification: Uncertain significance for DDX41-related hematologic malignancy predisposition syndrome. Last evaluated: 2024-08-26. Review status: criteria provided, single submitter. Criteria: St. Jude Assertion Criteria 2020. Collection method: clinical testing. Allele origin: germline.
Comment: The DDX41 c.572-3T>C intronic change results from a T to C substitution at the -3 position of intron 6 of the DDX41 gene. Algorithms that predict the impact of sequence changes on splicing indicate that this variant likely does not affect splicing, but to our knowledge these predictions have not been confirmed by RNA studies. This variant has a maximum subpopulation frequency of 0.01% in gnomAD v2.1.1. To our knowledge, this variant has not been reported in individuals with DDX41-associated familial myeloproliferative/lymphoproliferative neoplasms. In summary, the evidence currently available is insufficient to determine the clinical significance of this variant. It has therefore been classified as of uncertain significance.

Literature cited by the submitters: PubMed 17576681 (cited by Labcorp Genetics (formerly Invitae), Labcorp); PubMed 9536098 (cited by Labcorp Genetics (formerly Invitae), Labcorp).